The following is an entry in ClinVar:

ClinVar aggregate classification (germline): Benign (1 of 4 stars; one submission).

Conditions:
Seizures, benign familial neonatal, 2. Also called: Benign Neonatal Epilepsy 2; CONVULSIONS, BENIGN FAMILIAL NEONATAL, 2; KCNQ3-Related Benign Familial Neonatal Epilepsy; KCNQ3-Related Self-Limited Familial Neonatal Epilepsy (SLFNE); Seizures, benign neonatal, 2. Identifiers: Orphanet 1949, MedGen C1852581, MONDO:0007366, OMIM 121201.

Allele frequency attached by ClinVar (database versions not stated): TOPMed 0.00005; gnomAD 0.00026 and 0.00001; 1000 Genomes Project 30x 0.00219; 1000 Genomes Project 0.00280.

Submission:

Illumina Laboratory Services, Illumina
Classification: Benign for Seizures, benign familial neonatal, 2. Last evaluated: 2018-03-06. Review status: criteria provided, single submitter. Criteria: ICSL Variant Classification Criteria 13 December 2019. Collection method: clinical testing. Allele origin: germline.
Comment: This variant was observed in the ICSL laboratory as part of a predisposition screen in an ostensibly healthy population. It had not been previously curated by ICSL or reported in the Human Gene Mutation Database (HGMD: prior to June 1st, 2018), and was therefore a candidate for classification through an automated scoring system. Utilizing variant allele frequency, disease prevalence and penetrance estimates, and inheritance mode, an automated score was calculated to assess if this variant is too frequent to cause the disease. Based on the score and internal cut-off values, a variant classified as benign is not then subjected to further curation. The score for this variant resulted in a classification of benign for this disease.

NM_004519.4(KCNQ3):c.*7461G>A

Gene: KCNQ3 (potassium voltage-gated channel subfamily Q member 3; minus strand). Cytogenetic location: 8q24.22.
Variant type: single nucleotide variant.
Coding change: c.*7461G>A on transcript NM_004519.4 (MANE Select); 7461 bases downstream of the stop codon, G replaced by A.
Molecular consequence: 3 prime UTR variant.
Genome position (GRCh38, 1-based): chr8:132,121,801, C>T on the plus strand (G>A on the coding strand, the complement: KCNQ3 is on the minus strand). VCF-style: chr8-132121801-C-T. GRCh37 (hg19) VCF-style: chr8-133134048-C-T.
Other names: c.*7461G>A (NM_001204824.2).
Identifiers: ClinVar variation 911460 (VCV000911460.4), dbSNP rs568659674, ClinGen allele CA185425786.